The following is an entry in ClinVar:

ClinVar aggregate classification (germline): Likely benign. Review status: criteria provided, multiple submitters, no conflicts (2 of 4 stars). 2 submissions from 2 submitters: Likely benign (2). Last evaluated 2025-08-27.

Conditions:
Inborn genetic diseases. Identifiers: MedGen C0950123, MeSH D030342.

Submissions (2):

Ambry Genetics
Classification: Likely benign for Inborn genetic diseases. Last evaluated: 2025-08-27. Review status: criteria provided, single submitter. Criteria: Ambry Variant Classification Scheme 2023. Collection method: clinical testing. Allele origin: germline.

CeGaT Center for Human Genetics Tuebingen
Classification: Likely benign. Last evaluated: 2023-05-01. Review status: criteria provided, single submitter. Criteria: CeGaT Center For Human Genetics Tuebingen Variant Classification Criteria Version 2. Collection method: clinical testing. Allele origin: germline. Affected: yes. Observed: 1 variant allele.
Comment: ZNF292: PM4, BS1

NM_015021.3(ZNF292):c.2500CCT[1] (p.Pro835del)

Gene: ZNF292 (zinc finger protein 292; plus strand). Cytogenetic location: 6q14.3.
Variant type: Microsatellite.
Coding change: c.2500CCT[1] on transcript NM_015021.3 (MANE Select); one copy of the 3-base unit CCT starting at c.2500; the reference has two copies in a row; one copy, 3 bases deleted.
Protein change: p.Pro835del; deletes proline 835.
Molecular consequence: inframe deletion.
Genome position (GRCh38, 1-based): chr6:87,256,132-87,256,134, CCT deleted; deleting any 3 consecutive bases within chr6:87,256,127-87,256,134 gives the same sequence; the position shown is the placement nearest the transcript's 3' end. VCF-style (leftmost placement, unchanged base first): chr6-87256126-ACTC-A. GRCh37 (hg19) VCF-style: chr6-87965844-ACTC-A.
Other names: c.2503_2505delCCT (NM_015021.1); c.2080CCT[1], p.Pro695del (NM_001351444.2); short protein forms P695del, P835del.
Identifiers: ClinVar variation 2656739 (VCV002656739.25), dbSNP rs766239064, ClinGen allele CA3913968.